The following is an entry in ClinVar:

ClinVar aggregate classification (germline): Likely benign. Review status: criteria provided, single submitter (1 of 4 stars). 2 submissions from 2 submitters: Likely benign (1). 1 of the submissions does not count toward it. Last evaluated 2025-12-24.

Conditions:
Autosomal recessive polycystic kidney disease (ARPKD). Also called: AR polycystic kidney disease. Identifiers: Orphanet 731, Orphanet 8378, MedGen C0085548, MeSH D017044, MONDO:0009889.
PKHD1-related disorder. Also called: PKHD1-related condition.

Allele frequency attached by ClinVar (database versions not stated): gnomAD exomes below 0.00001 and 0.00001; ExAC 0.00001; gnomAD 0.00001; TOPMed 0.00001.
gnomAD v4.1: 10 of 1,492,214 alleles (0.00067%); highest among the groups gnomAD compares: South Asian, 0.0011%; no homozygotes.

Submissions (2):

Labcorp Genetics (formerly Invitae), Labcorp
Classification: Likely benign for Autosomal recessive polycystic kidney disease. Last evaluated: 2025-12-24. Review status: criteria provided, single submitter. Criteria: Invitae Variant Classification Sherloc (09022015). Collection method: clinical testing. Allele origin: germline.

PreventionGenetics, part of Exact Sciences
Classification: Likely benign for PKHD1-related condition. Last evaluated: 2023-07-13. Review status: no assertion criteria provided. Collection method: clinical testing. Allele origin: germline. Not counted in ClinVar's aggregate classification.
Comment: This variant is classified as likely benign based on ACMG/AMP sequence variant interpretation guidelines (Richards et al. 2015 PMID: 25741868, with internal and published modifications).

NM_138694.4(PKHD1):c.881-7G>A

Gene: PKHD1 (PKHD1 ciliary IPT domain containing fibrocystin/polyductin; minus strand). Cytogenetic location: 6p12.2.
Variant type: single nucleotide variant.
Coding change: c.881-7G>A on transcript NM_138694.4 (MANE Select); 7 bases into the intron before coding-DNA position 881, G replaced by A.
Molecular consequence: intron variant.
Genome position (GRCh38, 1-based): chr6:52,065,057, C>T on the plus strand (G>A on the coding strand, the complement: PKHD1 is on the minus strand). VCF-style: chr6-52065057-C-T. GRCh37 (hg19) VCF-style: chr6-51929855-C-T.
Other names: c.881-7G>A (NM_170724.3, NM_138694.3).
Identifiers: ClinVar variation 1078545 (VCV001078545.11), dbSNP rs776386120, ClinGen allele CA3853706.